The following is an entry in ClinVar:

ClinVar aggregate classification (germline): Uncertain significance (1 of 4 stars; one submission).

Conditions:
Inborn genetic diseases. Identifiers: MedGen C0950123, MeSH D030342.

Submission:

Ambry Genetics
Classification: Uncertain significance for Inborn genetic diseases. Last evaluated: 2026-07-07. Review status: criteria provided, single submitter. Criteria: Ambry Variant Classification Scheme 2023. Collection method: clinical testing. Allele origin: germline.
Comment: The p.R63W variant (also known as c.187A>T), located in coding exon 3 of the ETV6 gene, results from an A to T substitution at nucleotide position 187. The arginine at codon 63 is replaced by tryptophan, an amino acid with dissimilar properties. This amino acid position is conserved. In addition, the in silico prediction for this alteration is inconclusive. Based on the available evidence, the clinical significance of this variant remains unclear.

NM_001987.5(ETV6):c.187A>T (p.Arg63Trp)

Genes: ETV6 (ETS variant transcription factor 6; plus strand), LOC126861451 (BRD4-independent group 4 enhancer GRCh37_chr12:11991350-11992549; plus strand). Cytogenetic location: 12p13.2.
Variant type: single nucleotide variant.
Coding change: c.187A>T on transcript NM_001987.5 (MANE Select); coding-DNA position 187, A replaced by T.
Protein change: p.Arg63Trp; replaces arginine 63 with tryptophan.
Molecular consequence: missense variant. On other transcripts: 5 prime UTR variant (1).
Genome position (GRCh38, 1-based): chr12:11,839,163, A>T. VCF-style: chr12-11839163-A-T. GRCh37 (hg19) VCF-style: chr12-11992097-A-T.
Other names: c.184A>T, p.Arg62Trp (NM_001413913.1); c.160A>T, p.Arg54Trp (NM_001413914.1); c.-78A>T (NM_001413915.1); c.187A>T, p.Arg63Trp (NM_001413916.1, NM_001413917.1, NM_001413918.1); short protein forms R62W, R63W, R54W.
Identifiers: ClinVar variation 5036184 (VCV005036184.1).